The following is an entry in ClinVar:

ClinVar aggregate classification (germline): Uncertain significance. Review status: criteria provided, multiple submitters, no conflicts (2 of 4 stars). 2 submissions from 2 submitters: Uncertain significance (2). Last evaluated 2025-07-01.

Submissions (2):

CeGaT Center for Human Genetics Tuebingen
Classification: Uncertain significance. Last evaluated: 2025-07-01. Review status: criteria provided, single submitter. Criteria: CeGaT Center For Human Genetics Tuebingen Variant Classification Criteria Version 2. Collection method: clinical testing. Allele origin: germline. Affected: yes. Observed: 1 variant allele.
Comment: FBN2: PM2

Revvity Omics, Revvity
Classification: Uncertain significance. Last evaluated: 2021-11-16. Review status: criteria provided, single submitter. Criteria: ACMG Guidelines, 2015. Collection method: clinical testing. Allele origin: germline.

NM_001999.4(FBN2):c.6253C>T (p.Pro2085Ser)

Gene: FBN2 (fibrillin 2; minus strand). Cytogenetic location: 5q23.3.
Variant type: single nucleotide variant.
Coding change: c.6253C>T on transcript NM_001999.4 (MANE Select); coding-DNA position 6253, C replaced by T.
Protein change: p.Pro2085Ser; replaces proline 2085 with serine.
Molecular consequence: missense variant.
Genome position (GRCh38, 1-based): chr5:128,291,568, G>A on the plus strand (C>T on the coding strand, the complement: FBN2 is on the minus strand). VCF-style: chr5-128291568-G-A. GRCh37 (hg19) VCF-style: chr5-127627260-G-A.
Other names: short protein forms P2085S.
Identifiers: ClinVar variation 2441387 (VCV002441387.11), dbSNP rs34845843, ClinGen allele CA360764372.